The following is an entry in ClinVar:

NM_002223.4(ITPR2):c.3588T>C (p.Asn1196=)

Gene: ITPR2 (inositol 1,4,5-trisphosphate receptor type 2; minus strand). Cytogenetic location: 12p11.23.
Variant type: single nucleotide variant.
Coding change: c.3588T>C on transcript NM_002223.4 (MANE Select); coding-DNA position 3588, T replaced by C.
Protein change: p.Asn1196=; no amino-acid change (asparagine 1196 retained).
Molecular consequence: synonymous variant.
Genome position (GRCh38, 1-based): chr12:26,602,460, A>G on the plus strand (T>C on the coding strand, the complement: ITPR2 is on the minus strand). VCF-style: chr12-26602460-A-G. GRCh37 (hg19) VCF-style: chr12-26755393-A-G.
Other names: c.3585T>C, p.Asn1195= (NM_001414174.1); c.3588T>C, p.Asn1196= (NM_001414175.1).
Identifiers: ClinVar variation 2642806 (VCV002642806.24), dbSNP rs755472790, ClinGen allele CA6489244.
Genomic context (GRCh38, chr12:26,602,460, plus strand): 5'-CACCACCGAATGCGCCCCCATATTTTTCAGTAATCGTTGATGTTGATTCCGACACTTTTT[A>G]TTCTGCACACAGAGTTTACTTAGCCTGATCAAAATCTTTAAAAGGAAGAGGGAAAGCATC-3'
Protein context (NP_002214.2, residues 1186-1206): LIRLSKLCVQ[Asn1196=]KKCRNQHQRL

ClinVar aggregate classification (germline): Likely benign (1 of 4 stars; one submission).

Allele frequency attached by ClinVar (database versions not stated): gnomAD exomes below 0.00001; ExAC 0.00001.
gnomAD v4.1: 1 of 1,613,726 alleles (0.000062%); highest among the groups gnomAD compares: Middle Eastern, 0.017%; no homozygotes.

Submission:

CeGaT Center for Human Genetics Tuebingen
Classification: Likely benign. Last evaluated: 2022-06-01. Review status: criteria provided, single submitter. Criteria: CeGaT Center For Human Genetics Tuebingen Variant Classification Criteria Version 2. Collection method: clinical testing. Allele origin: germline. Affected: yes. Observed: 1 variant allele.
Comment: ITPR2: BP4, BP7